The following is an entry in ClinVar:

ClinVar aggregate classification (germline): Uncertain significance (1 of 4 stars; one submission).

Conditions:
Fanconi anemia (FA). Also called: Fanconi's anemia. Identifiers: Orphanet 84, MedGen C0015625, MeSH D005199, MONDO:0019391.

Allele frequency attached by ClinVar (database versions not stated): gnomAD 0.00001.
gnomAD v4.1: 2 of 1,612,474 alleles (0.00012%); highest among the groups gnomAD compares: African/African-American, 0.0027%; no homozygotes.

Submission:

Labcorp Genetics (formerly Invitae), Labcorp
Classification: Uncertain significance for Fanconi anemia. Last evaluated: 2022-11-15. Review status: criteria provided, single submitter. Criteria: Invitae Variant Classification Sherloc (09022015). Collection method: clinical testing. Allele origin: germline.
Comment: In summary, the available evidence is currently insufficient to determine the role of this variant in disease. Therefore, it has been classified as a Variant of Uncertain Significance. This sequence change replaces glutamine, which is neutral and polar, with glutamic acid, which is acidic and polar, at codon 1105 of the FANCD2 protein (p.Gln1105Glu). This variant is not present in population databases (gnomAD no frequency). This variant has not been reported in the literature in individuals affected with FANCD2-related conditions. ClinVar contains an entry for this variant (Variation ID: 1393659). Advanced modeling of protein sequence and biophysical properties (such as structural, functional, and spatial information, amino acid conservation, physicochemical variation, residue mobility, and thermodynamic stability) performed at Invitae indicates that this missense variant is not expected to disrupt FANCD2 protein function.

NM_001018115.3(FANCD2):c.3313C>G (p.Gln1105Glu)

Genes: FANCD2 (FA complementation group D2; plus strand), FANCD2OS (FANCD2 opposite strand; minus strand). Cytogenetic location: 3p25.3.
Variant type: single nucleotide variant.
Coding change: c.3313C>G on transcript NM_001018115.3 (MANE Select); coding-DNA position 3313, C replaced by G.
Protein change: p.Gln1105Glu; replaces glutamine 1105 with glutamic acid.
Molecular consequence: missense variant. On other transcripts: intron variant (1).
Genome position (GRCh38, 1-based): chr3:10,085,900, C>G. VCF-style: chr3-10085900-C-G. GRCh37 (hg19) VCF-style: chr3-10127584-C-G.
Other names: c.3313C>G, p.Gln1105Glu (NM_001319984.2, NM_001374254.1, NM_033084.6); c.3202C>G, p.Gln1068Glu (NM_001374253.1); c.*44-4369G>C (NM_173472.2); short protein forms Q1068E, Q1105E.
Identifiers: ClinVar variation 1393659 (VCV001393659.8), dbSNP rs1694168766, ClinGen allele CA351751410.